The following is an entry in ClinVar:

NM_017613.4(DONSON):c.965-13G>A

Gene: DONSON (DNA replication fork stabilization factor DONSON; minus strand). Cytogenetic location: 21q22.11.
Variant type: single nucleotide variant.
Coding change: c.965-13G>A on transcript NM_017613.4 (MANE Select); 13 bases into the intron before coding-DNA position 965, G replaced by A.
Molecular consequence: intron variant.
Genome position (GRCh38, 1-based): chr21:33,582,259, C>T on the plus strand (G>A on the coding strand, the complement: DONSON is on the minus strand). VCF-style: chr21-33582259-C-T. GRCh37 (hg19) VCF-style: chr21-34954565-C-T.
Identifiers: ClinVar variation 2506028 (VCV002506028.1), dbSNP rs753572000, ClinGen allele CA10010450.

ClinVar aggregate classification (germline): Uncertain significance (1 of 4 stars; one submission).

Allele frequency attached by ClinVar (database versions not stated): gnomAD exomes below 0.00001; ExAC 0.00002.
gnomAD v4.1: 2 of 1,595,118 alleles (0.00013%); highest among the groups gnomAD compares: South Asian, 0.0022%; no homozygotes.

Submission:

Women's Health and Genetics/Laboratory Corporation of America, LabCorp
Classification: Uncertain significance. Last evaluated: 2023-05-02. Review status: criteria provided, single submitter. Criteria: LabCorp Variant Classification Summary - May 2015. Collection method: clinical testing. Allele origin: germline.
Comment: Variant summary: DONSON c.965-13G>A alters a non-conserved nucleotide located close to a canonical splice site and therefore could affect mRNA splicing, leading to a significantly altered protein sequence. 4/4 computational tools predict no significant impact on normal splicing. However, these predictions have yet to be confirmed by functional studies. The variant allele was found at a frequency of 8e-06 in 249304 control chromosomes (gnomAD). The available data on variant occurrences in the general population are insufficient to allow any conclusion about variant significance. To our knowledge, no occurrence of c.965-13G>A in individuals affected with Microcephaly, Short Stature, And Limb Abnormalities and no experimental evidence demonstrating its impact on protein function have been reported. No clinical diagnostic laboratories have submitted clinical-significance assessments for this variant to ClinVar after 2014. Based on the evidence outlined above, the variant was classified as uncertain significance.